The following is an entry in ClinVar:

NM_004304.5(ALK):c.4306C>T (p.Arg1436Cys)

Gene: ALK (ALK receptor tyrosine kinase; minus strand). Cytogenetic location: 2p23.2.
Variant type: single nucleotide variant.
Coding change: c.4306C>T on transcript NM_004304.5 (MANE Select); coding-DNA position 4306, C replaced by T.
Protein change: p.Arg1436Cys; replaces arginine 1436 with cysteine.
Molecular consequence: missense variant.
Genome position (GRCh38, 1-based): chr2:29,193,781, G>A on the plus strand (C>T on the coding strand, the complement: ALK is on the minus strand). VCF-style: chr2-29193781-G-A. GRCh37 (hg19) VCF-style: chr2-29416647-G-A.
Other names: c.1102C>T, p.Arg368Cys (NM_001353765.2); c.4306C>T (NM_004304.4); short protein forms R368C, R1436C.
Identifiers: ClinVar variation 1041110 (VCV001041110.10), dbSNP rs201129468, ClinGen allele CA1593601.

ClinVar aggregate classification (germline): Uncertain significance. Review status: criteria provided, multiple submitters, no conflicts (2 of 4 stars). 3 submissions from 3 submitters: Uncertain significance (3). Last evaluated 2025-11-24.

Conditions:
Neuroblastoma, susceptibility to, 3. Also called: ALK-Related Neuroblastic Tumor Susceptibility. Identifiers: Orphanet 635, MedGen C2751681, MONDO:0013083, OMIM 613014.
Hereditary cancer-predisposing syndrome. Also called: Hereditary neoplastic syndrome; Neoplastic Syndromes, Hereditary; Tumor predisposition; Hereditary Cancer Syndrome. Identifiers: Orphanet 140162, MedGen C0027672, MeSH D009386, MONDO:0015356.

Allele frequency attached by ClinVar (database versions not stated): gnomAD exomes below 0.00001; ExAC 0.00001.

Submissions (3):

Labcorp Genetics (formerly Invitae), Labcorp
Classification: Uncertain significance for Neuroblastoma, susceptibility to, 3. Last evaluated: 2025-11-24. Review status: criteria provided, single submitter. Criteria: Invitae Variant Classification Sherloc (09022015). Collection method: clinical testing. Allele origin: germline.
Comment: This sequence change replaces arginine, which is basic and polar, with cysteine, which is neutral and slightly polar, at codon 1436 of the ALK protein (p.Arg1436Cys). This variant is present in population databases (rs201129468, gnomAD 0.003%). This variant has not been reported in the literature in individuals affected with ALK-related conditions. ClinVar contains an entry for this variant (Variation ID: 1041110). An algorithm developed to predict the effect of missense changes on protein structure and function (PolyPhen-2) suggests that this variant is likely to be tolerated. In summary, the available evidence is currently insufficient to determine the role of this variant in disease. Therefore, it has been classified as a Variant of Uncertain Significance.

Ambry Genetics
Classification: Uncertain significance for Hereditary cancer-predisposing syndrome. Last evaluated: 2025-08-25. Review status: criteria provided, single submitter. Criteria: Ambry Variant Classification Scheme 2023. Collection method: clinical testing. Allele origin: germline.
Comment: The p.R1436C variant (also known as c.4306C>T), located in coding exon 29 of the ALK gene, results from a C to T substitution at nucleotide position 4306. The arginine at codon 1436 is replaced by cysteine, an amino acid with highly dissimilar properties. This amino acid position is conserved. In addition, this alteration is predicted to be tolerated by in silico analysis. Based on the available evidence, the clinical significance of this variant remains unclear.

St. Jude Molecular Pathology, St. Jude Children's Research Hospital
Classification: Uncertain significance for Neuroblastoma, susceptibility to, 3. Last evaluated: 2023-03-27. Review status: criteria provided, single submitter. Criteria: St. Jude Assertion Criteria 2020. Collection method: clinical testing. Allele origin: germline.
Comment: The ALK c.4306C>T (p.Arg1436Cys) missense change has a maximum subpopulation frequency of 0.003% in gnomAD v2.1.1. The in silico tool REVEL predicts a benign effect on protein function, but to our knowledge this prediction has not been confirmed by functional studies. To our knowledge, this variant has not been reported in the literature in individuals with ALK-related neuroblastic tumor susceptibility. In summary, the evidence currently available is insufficient to determine the clinical significance of this variant. It has therefore been classified as of uncertain significance.